The following is an entry in ClinVar:

NM_000260.4(MYO7A):c.285+2T>G

Gene: MYO7A (myosin VIIA; plus strand). Cytogenetic location: 11q13.5.
Variant type: single nucleotide variant.
Coding change: c.285+2T>G on transcript NM_000260.4 (MANE Select); the canonical splice donor site of the intron after coding-DNA position 285, T replaced by G.
Molecular consequence: splice donor variant.
Genome position (GRCh38, 1-based): chr11:77,147,952, T>G. VCF-style: chr11-77147952-T-G. GRCh37 (hg19) VCF-style: chr11-76858998-T-G.
Other names: c.252+2T>G (NM_001369365.1); c.285+2T>G (NM_001127180.2).
Identifiers: ClinVar variation 554125 (VCV000554125.55), dbSNP rs782292032, ClinGen allele CA381929504.

ClinVar aggregate classification (germline): Pathogenic/Likely pathogenic. Review status: criteria provided, multiple submitters, no conflicts (2 of 4 stars). 8 submissions from 8 submitters: Pathogenic (5); Likely pathogenic (1). 2 of the submissions do not count toward it. Last evaluated 2025-12-30.

Conditions:
Autosomal dominant nonsyndromic hearing loss 11. Identifiers: Orphanet 90635, MedGen C1832475, MONDO:0011032, OMIM 601317.
Usher syndrome type 1 (USH1). Also called: RETINITIS PIGMENTOSA AND CONGENITAL DEAFNESS. Identifiers: Orphanet 231169, Orphanet 886, MedGen C1568247, MONDO:0010168, OMIM 276900.
Autosomal recessive nonsyndromic hearing loss 2. Also called: DEAFNESS, AUTOSOMAL RECESSIVE 2; NEUROSENSORY NONSYNDROMIC RECESSIVE DEAFNESS 2. Identifiers: Orphanet 90636, MedGen C1838701, MONDO:0010807, OMIM 600060.
Usher syndrome type 1B (USH1B). Also called: Usher syndrome type IB. Identifiers: MedGen C1848638, MONDO:0700087.
MYO7A-related disorder. Also called: MYO7A-related disorders.

gnomAD v4.1: 4 of 1,543,160 alleles (0.00026%); highest among the groups gnomAD compares: Non-Finnish European, 0.00017%; no homozygotes.

Submissions (8):

Labcorp Genetics (formerly Invitae), Labcorp
Classification: Pathogenic. Last evaluated: 2025-12-30. Review status: criteria provided, single submitter. Criteria: Invitae Variant Classification Sherloc (09022015). Collection method: clinical testing. Allele origin: germline.
Comment: This sequence change affects a donor splice site in intron 4 of the MYO7A gene. It is expected to disrupt RNA splicing. Variants that disrupt the donor or acceptor splice site typically lead to a loss of protein function (PMID: 16199547), and loss-of-function variants in MYO7A are known to be pathogenic (PMID: 8900236, 25404053). This variant is not present in population databases (gnomAD no frequency). Disruption of this splice site has been observed in individuals with clinical features of autosomal recessive Usher syndrome (PMID: 29490346, 31456290; internal data). ClinVar contains an entry for this variant (Variation ID: 554125). Algorithms developed to predict the effect of sequence changes on RNA splicing suggest that this variant may disrupt the consensus splice site. For these reasons, this variant has been classified as Pathogenic.

Blueprint Genetics
Classification: Pathogenic for MYO7A-related disorders. Last evaluated: 2024-08-30. Review status: criteria provided, single submitter. Criteria: ACMG Guidelines, 2015. Collection method: clinical testing. Allele origin: germline. Affected: yes. Observed: 3 variant alleles.

Laboratory of Prof. Karen Avraham, Tel Aviv University
Classification: Pathogenic for Autosomal recessive nonsyndromic hearing loss 2. Last evaluated: 2024-08-20. Review status: criteria provided, single submitter. Criteria: ACMG Guidelines, 2015. Collection method: research. Allele origin: germline. Affected: yes. Observed: 1 variant allele.
Comment: A known pathogenic variants according to Deafness Variation Database and ClinVar based on PMID: 29490346.

DFNB2

Natera, Inc.
Classification: Likely pathogenic for Usher syndrome type 1B. Last evaluated: 2024-05-18. Review status: criteria provided, single submitter. Criteria: Natera Variant Classification Schema (03/2026). Collection method: clinical testing. Allele origin: germline.
Comment: The c.285+2T>G variant in MYO7A is a canonical splice donor site variant predicted to affect pre-mRNA splicing, which may result in an abnormal transcript and altered protein product. This variant may result in a truncated or dysfunctional protein product. This variant is rare in the general population with a frequency below the threshold expected for the associated phenotype(s). This variant has been observed in one or more individuals affected with the associated recessive disease, as either homozygous or compound heterozygous with a second variant (PMID: 33576794). Given the available evidence, this variant is classified as Likely Pathogenic.

Fulgent Genetics
Classification: Pathogenic for Usher syndrome type 1; Autosomal recessive nonsyndromic hearing loss 2; Autosomal dominant nonsyndromic hearing loss 11. Last evaluated: 2024-01-20. Review status: criteria provided, single submitter. Criteria: ACMG Guidelines, 2015. Collection method: clinical testing. Allele origin: germline.

CeGaT Center for Human Genetics Tuebingen
Classification: Pathogenic. Last evaluated: 2018-11-01. Review status: criteria provided, single submitter. Criteria: CeGaT Center For Human Genetics Tuebingen Variant Classification Criteria Version 2. Collection method: clinical testing. Allele origin: germline. Affected: yes. Observed: 1 variant allele.

Sharon lab, Hadassah-Hebrew University Medical Center
Classification: Pathogenic for Usher syndrome type 1. Last evaluated: 2019-06-23. Review status: no assertion criteria provided. Collection method: research. Allele origin: inherited. Affected: yes. Not counted in ClinVar's aggregate classification.

Counsyl
Classification: Likely pathogenic for Usher syndrome type 1; Autosomal recessive nonsyndromic hearing loss 2. Last evaluated: 2017-09-26. Review status: no assertion criteria provided. Collection method: clinical testing. Allele origin: unknown. Not counted in ClinVar's aggregate classification.

Literature cited by the submitters: PubMed 16199547 (cited by Labcorp Genetics (formerly Invitae), Labcorp); PubMed 8900236 (cited by Labcorp Genetics (formerly Invitae), Labcorp); PubMed 25404053 (cited by Labcorp Genetics (formerly Invitae), Labcorp); PubMed 29490346 (cited by Labcorp Genetics (formerly Invitae), Labcorp); PubMed 31456290 (cited by Labcorp Genetics (formerly Invitae), Labcorp); PubMed 33576794 (cited by Natera, Inc.).